The following is an entry in ClinVar:

ClinVar aggregate classification (germline): Pathogenic (1 of 4 stars; one submission).

Conditions:
Developmental and epileptic encephalopathy. Identifiers: MedGen C5779964, MONDO:0100620.

Submission:

Labcorp Genetics (formerly Invitae), Labcorp
Classification: Pathogenic for Early-infantile DEE. Last evaluated: 2020-06-24. Review status: criteria provided, single submitter. Criteria: Invitae Variant Classification Sherloc (09022015). Collection method: clinical testing. Allele origin: germline.
Comment: This variant is a gross deletion of the genomic region encompassing exons 16-17 of the KCNQ2 gene. The 5' boundary is likely confined to intron 15. The 3' end of this event is unknown as it extends through the termination codon beyond the assayed region for this gene and may encompass additional genes. While this deletion is not anticipated to result in nonsense mediated decay, it is expected to create a truncated protein product or disrupt mRNA translation. A similar copy number variant has been observed in individual(s) with an epileptic disorder (PMID: 27054081). This variant disrupts the C-terminus of the KCNQ2 protein. Other variant(s) that disrupt this region (p.Cys774Leufs*91) have been determined to be pathogenic (PMID: 23692823). This suggests that variants that disrupt this region of the protein are likely to be causative of disease. For these reasons, this variant has been classified as Pathogenic.

Literature cited by the submitters: PubMed 27054081; PubMed 23692823.

NC_000020.10:g.(?_61977556)_(62039909_?)del

Genes: CHRNA4 (cholinergic receptor nicotinic alpha 4 subunit; minus strand), KCNQ2 (potassium voltage-gated channel subfamily Q member 2; minus strand). Cytogenetic location: 20q13.33.
Variant type: Deletion.
Identifiers: ClinVar variation 1069868 (VCV001069868.2).